The following is an entry in ClinVar:

NM_015271.5(TRIM2):c.1094C>G (p.Thr365Ser)

Gene: TRIM2 (tripartite motif containing 2; plus strand). Cytogenetic location: 4q31.3.
Variant type: single nucleotide variant.
Coding change: c.1094C>G on transcript NM_015271.5 (MANE Select); coding-DNA position 1094, C replaced by G.
Protein change: p.Thr365Ser; replaces threonine 365 with serine.
Molecular consequence: missense variant.
Genome position (GRCh38, 1-based): chr4:153,295,620, C>G. VCF-style: chr4-153295620-C-G. GRCh37 (hg19) VCF-style: chr4-154216772-C-G.
Other names: c.1013C>G, p.Thr338Ser (NM_001130067.2, NM_001351056.2); c.1067C>G, p.Thr356Ser (NM_001351054.2); c.1064C>G, p.Thr355Ser (NM_001351055.2); c.638C>G, p.Thr213Ser (NM_001351057.2); c.1094C>G (NM_015271.3); short protein forms T338S, T356S, T365S, T213S, T355S.
Identifiers: ClinVar variation 444644 (VCV000444644.58), dbSNP rs146686472, ClinGen allele CA3108686.

ClinVar aggregate classification (germline): Uncertain significance. Review status: criteria provided, multiple submitters, no conflicts (2 of 4 stars). 5 submissions from 5 submitters: Uncertain significance (5). Last evaluated 2025-09-25.

Conditions:
Charcot-Marie-Tooth disease type 2R. Also called: Charcot-Marie-Tooth disease, axonal, type 2R; CHARCOT-MARIE-TOOTH DISEASE, AXONAL, AUTOSOMAL RECESSIVE, TYPE 2R; CHARCOT-MARIE-TOOTH NEUROPATHY, TYPE 2R. Identifiers: Orphanet 397968, MedGen C3809655, MONDO:0014208, OMIM 615490.

Allele frequency attached by ClinVar (database versions not stated): ExAC 0.00020; gnomAD exomes 0.00021; gnomAD 0.00031 and 0.00034; TOPMed 0.00031; ESP Exome Variant Server 0.00038.
gnomAD v4.1: 307 of 1,613,892 alleles (0.019%); highest among the groups gnomAD compares: Admixed American, 0.052%; no homozygotes.

Submissions (5):

Labcorp Genetics (formerly Invitae), Labcorp
Classification: Uncertain significance for Charcot-Marie-Tooth disease type 2R. Last evaluated: 2025-09-25. Review status: criteria provided, single submitter. Criteria: Invitae Variant Classification Sherloc (09022015). Collection method: clinical testing. Allele origin: germline.
Comment: This sequence change replaces threonine, which is neutral and polar, with serine, which is neutral and polar, at codon 338 of the TRIM2 protein (p.Thr338Ser). This variant is present in population databases (rs146686472, gnomAD 0.04%). This variant has not been reported in the literature in individuals affected with TRIM2-related conditions. ClinVar contains an entry for this variant (Variation ID: 444644). An algorithm developed to predict the effect of missense changes on protein structure and function (PolyPhen-2) suggests that this variant is likely to be tolerated. In summary, the available evidence is currently insufficient to determine the role of this variant in disease. Therefore, it has been classified as a Variant of Uncertain Significance.

Women's Health and Genetics/Laboratory Corporation of America, LabCorp
Classification: Uncertain significance. Last evaluated: 2025-09-22. Review status: criteria provided, single submitter. Criteria: LabCorp Variant Classification Summary - May 2015. Collection method: clinical testing. Allele origin: germline.
Comment: Variant summary: TRIM2 c.1013C>G (p.Thr338Ser) results in a conservative amino acid change in the encoded protein sequence. Algorithms developed to predict the effect of missense changes on protein structure and function all suggest that this variant is likely to be tolerated. The variant allele was found at a frequency of 0.00021 in 250982 control chromosomes. This frequency is not significantly higher than estimated for disease-causing variants in TRIM2, allowing no conclusion about variant significance. To our knowledge, no occurrence of c.1013C>G in individuals affected with TRIM2-related conditions and no experimental evidence demonstrating its impact on protein function have been reported. ClinVar contains an entry for this variant (Variation ID: 444644). Based on the evidence outlined above, the variant was classified as uncertain significance.

Ambry Genetics
Classification: Uncertain significance. Last evaluated: 2024-05-28. Review status: criteria provided, single submitter. Criteria: Ambry Variant Classification Scheme 2023. Collection method: clinical testing. Allele origin: germline.

ARUP Laboratories, Molecular Genetics and Genomics, ARUP Laboratories
Classification: Uncertain significance. Last evaluated: 2018-01-22. Review status: criteria provided, single submitter. Criteria: ARUP Molecular Germline Variant Investigation Process. Collection method: clinical testing. Allele origin: germline.
Comment: The TRIM2 c.1013C>G; p.Thr338Ser variant (rs146686472), to our knowledge, is not reported in the medical literature, gene specific variation databases, nor has it been previously identified by our laboratory. This variant is listed in the genome Aggregation Database (gnomAD) with a non-Finnish European population frequency of 0.04% (identified on 45 out of 126,416 chromosomes) and is classified as a variant of unknown significance in ClinVar (ID: 444644). The threonine at position 338 is moderately conserved, considering 12 species, and computational analyses of the effects of the p.Thr338Ser variant on protein structure and function do not predict a deleterious effect (SIFT: tolerated, MutationTaster: polymorphism, PolyPhen-2: benign). Based on the available information, the clinical significance of the p.Thr338Ser variant cannot be determined with certainty.

CeGaT Center for Human Genetics Tuebingen
Classification: Uncertain significance. Last evaluated: 2017-06-01. Review status: criteria provided, single submitter. Criteria: CeGaT Center For Human Genetics Tuebingen Variant Classification Criteria Version 2. Collection method: clinical testing. Allele origin: germline. Affected: yes. Observed: 1 variant allele.